The following is an entry in ClinVar:

ClinVar aggregate classification (germline): Benign (1 of 4 stars; one submission).

Allele frequency attached by ClinVar (database versions not stated): gnomAD exomes 0.08717; gnomAD 0.13512 and 0.13716; TOPMed 0.14414; 1000 Genomes Project 30x 0.17395; 1000 Genomes Project 0.17752.
gnomAD v4.1: 53,132 of 527,142 alleles (10%); highest among the groups gnomAD compares: East Asian, 32%; 5,004 homozygotes.

Submission:

GeneDx
Classification: Benign. Last evaluated: 2018-06-14. Review status: criteria provided, single submitter. Criteria: GeneDx Variant Classification (06012015). Collection method: clinical testing. Allele origin: germline. Affected: yes.
Comment: This variant is considered likely benign or benign based on one or more of the following criteria: it is a conservative change, it occurs at a poorly conserved position in the protein, it is predicted to be benign by multiple in silico algorithms, and/or has population frequency not consistent with disease.

NM_001379210.1(SLC25A26):c.191-147G>A

Gene: SLC25A26 (solute carrier family 25 member 26; plus strand). Cytogenetic location: 3p14.1.
Variant type: single nucleotide variant.
Coding change: c.191-147G>A on transcript NM_001379210.1 (MANE Select); 147 bases into the intron before coding-DNA position 191, G replaced by A.
Molecular consequence: intron variant.
Genome position (GRCh38, 1-based): chr3:66,243,056, G>A. VCF-style: chr3-66243056-G-A. GRCh37 (hg19) VCF-style: chr3-66293480-G-A.
Other names: c.191-147G>A (NM_173471.4); c.-74-147G>A (NM_001350993.1, NM_001164796.1).
Identifiers: ClinVar variation 683890 (VCV000683890.1), dbSNP rs2311298, ClinGen allele CA11532888.
Genomic context (GRCh38, chr3:66,243,056, plus strand): 5'-GCATTTTTGTAAGTCTAAGATCAGGCATATACCATGGCGTCAGTAAACTCTGAAAGAGTG[G>A]GGGTAGGAAGAAAAGATATGTGCTTATCACCTTTTCTCTTATCTCATAATTTAATAATTA-3'